The following is an entry in ClinVar:

NM_000138.5(FBN1):c.4369_4370del (p.Val1457fs)

Gene: FBN1 (fibrillin 1; minus strand). Cytogenetic location: 15q21.1.
Variant type: Microsatellite.
Coding change: c.4369_4370del on transcript NM_000138.5 (MANE Select); coding-DNA positions 4369 to 4370, 2 bases deleted (GT; older notation c.4369_4370delGT).
Protein change: p.Val1457fs; shifts the reading frame from valine 1457.
Molecular consequence: frameshift variant.
Genome position (GRCh38, 1-based): chr15:48,470,723-48,470,724, AC deleted on the plus strand (GT on the coding strand, the reverse complement: FBN1 is on the minus strand); deleting any 2 consecutive bases within chr15:48,470,723-48,470,727 gives the same sequence; the c. name uses the placement nearest the transcript's 3' end. VCF-style (leftmost placement, unchanged base first): chr15-48470722-GAC-G. GRCh37 (hg19) VCF-style: chr15-48762919-GAC-G.
Other names: c.4369_4370delGT (NM_000138.4); c.4369_4370del (NM_000138.4); short protein forms V1457fs.
Identifiers: ClinVar variation 406301 (VCV000406301.8), dbSNP rs1060501043, ClinGen allele CA16614426.
Genomic context (GRCh38, chr15:48,470,722, plus strand): 5'-TTCGTAGCCTATCTCACACTCACAGCGGAACAGGCCAGGGAGGTTGTGGCAAGTTCCAAA[GAC>G]ACAGATGTTCGGAAGGGAGCACTCATCAATATCTTGGGGGGAGGGAGAAAAAAGCAAAAA-3'

ClinVar aggregate classification (germline): Pathogenic. Review status: criteria provided, multiple submitters, no conflicts (2 of 4 stars). 3 submissions from 2 submitters: Pathogenic (3). Last evaluated 2025-10-17.

Conditions:
Marfan syndrome (MFS). Also called: Marfan syndrome, classic; Marfan syndrome type 1; Marfan's syndrome; MARFAN SYNDROME, TYPE I; FBN1-Related Marfan Syndrome. Identifiers: Orphanet 284963, Orphanet 558, MedGen C0024796, MONDO:0007947, OMIM 154700.
Familial thoracic aortic aneurysm and aortic dissection (TAAD). Also called: Thoracic aortic aneurysms and dissections. Identifiers: Orphanet 91387, MedGen C4707243, MONDO:0019625.
Cardiovascular phenotype. Identifiers: MedGen CN230736.

Submissions (3):

Labcorp Genetics (formerly Invitae), Labcorp
Classification: Pathogenic for Marfan syndrome; Familial thoracic aortic aneurysm and aortic dissection. Last evaluated: 2025-10-17. Review status: criteria provided, single submitter. Criteria: Invitae Variant Classification Sherloc (09022015). Collection method: clinical testing. Allele origin: germline.
Comment: This sequence change creates a premature translational stop signal (p.Val1457Leufs*14) in the FBN1 gene. It is expected to result in an absent or disrupted protein product. Loss-of-function variants in FBN1 are known to be pathogenic (PMID: 17657824, 19293843). This variant is not present in population databases (gnomAD no frequency). This variant has not been reported in the literature in individuals affected with FBN1-related conditions. ClinVar contains an entry for this variant (Variation ID: 406301). For these reasons, this variant has been classified as Pathogenic.

Molecular Diagnostic Laboratory for Inherited Cardiovascular Disease, Montreal Heart Institute
Classification: Pathogenic for Cardiovascular phenotype. Last evaluated: 2024-09-27. Review status: criteria provided, single submitter. Criteria: ACMG Guidelines, 2015. Collection method: clinical testing. Allele origin: germline. Affected: yes.
Comment: PVS1, PM2, PP4

Labcorp Genetics (formerly Invitae), Labcorp
Classification: Pathogenic for Marfan syndrome. Last evaluated: 2016-12-03. Review status: criteria provided, single submitter. Criteria: Invitae Variant Classification Sherloc (09022015). Collection method: clinical testing. Allele origin: germline.
Comment: This sequence change deletes 2 nucleotides from exon 36 of the FBN1 mRNA (c.4369_4370delGT), causing a frameshift at codon 1457. This creates a premature translational stop signal (p.Val1457Leufs*14) and is expected to result in an absent or disrupted protein product. While this particular variant has not been reported in the literature, loss-of-function variants in FBN1 are known to be pathogenic (PMID: 17657824, 19293843). For these reasons, this variant has been classified as Pathogenic.

Literature cited by the submitters: PubMed 17657824 (cited by Labcorp Genetics (formerly Invitae), Labcorp); PubMed 19293843 (cited by Labcorp Genetics (formerly Invitae), Labcorp).